The following is an entry in ClinVar:

NM_018006.5(TRMU):c.39C>T (p.Gly13=)

Gene: TRMU (tRNA mitochondrial 2-thiouridylase; plus strand). Cytogenetic location: 22q13.31.
Variant type: single nucleotide variant.
Coding change: c.39C>T on transcript NM_018006.5 (MANE Select); coding-DNA position 39, C replaced by T.
Protein change: p.Gly13=; no amino-acid change (glycine 13 retained).
Molecular consequence: synonymous variant. On other transcripts: 5 prime UTR variant (3), non-coding transcript variant (2).
Genome position (GRCh38, 1-based): chr22:46,335,803, C>T. VCF-style: chr22-46335803-C-T. GRCh37 (hg19) VCF-style: chr22-46731700-C-T.
Other names: c.39C>T (NM_018006.4); c.-197C>T (NM_001282782.2); c.-216C>T (NM_001282783.2, NM_001282784.2); c.39C>T, p.Gly13= (NM_001282785.2).
Identifiers: ClinVar variation 1155450 (VCV001155450.10), dbSNP rs762544346, ClinGen allele CA10291913.
Genomic context (GRCh38, chr22:46,335,803, plus strand): 5'-GGCGAAGTTGGGCGACTGGCGGATGCAGGCCTTGCGGCACGTCGTGTGCGCCCTGTCCGG[C>T]GGCGTGGACAGCGCCGTGGCCGCGCTGCTGCTGAGGCGGAGAGGTGAGGCGTCCGAGGCT-3'
Protein context (NP_060476.2, residues 3-23): ALRHVVCALS[Gly13=]GVDSAVAALL

ClinVar aggregate classification (germline): Likely benign. Review status: criteria provided, multiple submitters, no conflicts (2 of 4 stars). 2 submissions from 2 submitters: Likely benign (2). Last evaluated 2025-09-17.

Conditions:
TRMU-related disorder. Also called: TRMU-related condition.

gnomAD v4.1: 107 of 1,562,112 alleles (0.0068%); highest among the groups gnomAD compares: Non-Finnish European, 0.0087%; 1 homozygote.

Submissions (2):

PreventionGenetics, part of Exact Sciences
Classification: Likely benign for TRMU-related condition. Last evaluated: 2025-09-17. Review status: criteria provided, single submitter. Criteria: ACMG Guidelines, 2015. Collection method: clinical testing. Allele origin: germline.
Comment: This variant is classified as likely benign based on ACMG/AMP sequence variant interpretation guidelines (Richards et al. 2015 PMID: 25741868, with internal and published modifications).

Labcorp Genetics (formerly Invitae), Labcorp
Classification: Likely benign. Last evaluated: 2024-02-14. Review status: criteria provided, single submitter. Criteria: Invitae Variant Classification Sherloc (09022015). Collection method: clinical testing. Allele origin: germline.